The following is an entry in ClinVar:

NM_005219.5(DIAPH1):c.3655C>T (p.Arg1219Cys)

Gene: DIAPH1 (diaphanous related formin 1; minus strand). Cytogenetic location: 5q31.3.
Variant type: single nucleotide variant.
Coding change: c.3655C>T on transcript NM_005219.5 (MANE Select); coding-DNA position 3655, C replaced by T.
Protein change: p.Arg1219Cys; replaces arginine 1219 with cysteine.
Molecular consequence: missense variant.
Genome position (GRCh38, 1-based): chr5:141,524,149, G>A on the plus strand (C>T on the coding strand, the complement: DIAPH1 is on the minus strand). VCF-style: chr5-141524149-G-A. GRCh37 (hg19) VCF-style: chr5-140903716-G-A.
Other names: c.3628C>T, p.Arg1210Cys (NM_001079812.3); c.3655C>T, p.Arg1219Cys (NM_001314007.2); short protein forms R1219C, R1210C.
Identifiers: ClinVar variation 1363466 (VCV001363466.6), dbSNP rs373270436, ClinGen allele CA3478732.

ClinVar aggregate classification (germline): Uncertain significance (1 of 4 stars; one submission).

Conditions:
Autosomal dominant nonsyndromic hearing loss 1. Also called: KONIGSMARK SYNDROME; DEAFNESS, AUTOSOMAL DOMINANT 1, WITH OR WITHOUT THROMBOCYTOPENIA. Identifiers: Orphanet 90635, MedGen C1852282, MONDO:0007424, OMIM 124900.
Progressive microcephaly-seizures-cortical blindness-developmental delay syndrome. Also called: Seizures, cortical blindness, and microcephaly syndrome. Identifiers: Orphanet 477814, MedGen C5567650, MONDO:0014714, OMIM 616632.

Allele frequency attached by ClinVar (database versions not stated): gnomAD 0.00001 and 0.00002; ExAC 0.00002; gnomAD exomes 0.00002; ESP Exome Variant Server 0.00008.
gnomAD v4.1: 34 of 1,613,864 alleles (0.0021%); highest among the groups gnomAD compares: Middle Eastern, 0.016%; 1 homozygote.

Submission:

Labcorp Genetics (formerly Invitae), Labcorp
Classification: Uncertain significance for Progressive microcephaly-seizures-cortical blindness-developmental delay syndrome; Autosomal dominant nonsyndromic hearing loss 1. Last evaluated: 2025-10-16. Review status: criteria provided, single submitter. Criteria: Invitae Variant Classification Sherloc (09022015). Collection method: clinical testing. Allele origin: germline.
Comment: This sequence change replaces arginine, which is basic and polar, with cysteine, which is neutral and slightly polar, at codon 1219 of the DIAPH1 protein (p.Arg1219Cys). This variant is present in population databases (rs373270436, gnomAD 0.004%). This variant has not been reported in the literature in individuals affected with DIAPH1-related conditions. ClinVar contains an entry for this variant (Variation ID: 1363466). An algorithm developed to predict the effect of missense changes on protein structure and function (PolyPhen-2) suggests that this variant is likely to be disruptive. In summary, the available evidence is currently insufficient to determine the role of this variant in disease. Therefore, it has been classified as a Variant of Uncertain Significance.